The following is an entry in ClinVar:

ClinVar aggregate classification (germline): Pathogenic. Review status: criteria provided, multiple submitters, no conflicts (2 of 4 stars). 2 submissions from 2 submitters: Pathogenic (2). Last evaluated 2022-08-31.

Conditions:
Hereditary cancer-predisposing syndrome. Also called: Hereditary Cancer Syndrome; Neoplastic Syndromes, Hereditary; Tumor predisposition; Hereditary neoplastic syndrome. Identifiers: Orphanet 140162, MedGen C0027672, MeSH D009386, MONDO:0015356.
Hereditary breast ovarian cancer syndrome. Also called: Breast and ovarian cancer; Hereditary breast and ovarian cancer; Hereditary breast and/or ovarian cancer syndrome; BRCA1- and BRCA2-Associated Hereditary Breast and Ovarian Cancer; Hereditary breast and ovarian cancer syndrome (HBOC); Hereditary breast and ovarian cancer syndrome. Identifiers: Orphanet 145, MedGen C0677776, MeSH D061325, MONDO:0003582. Disease mechanism: loss of function.

Submissions (2):

Labcorp Genetics (formerly Invitae), Labcorp
Classification: Pathogenic for Hereditary breast ovarian cancer syndrome. Last evaluated: 2022-08-31. Review status: criteria provided, single submitter. Criteria: Invitae Variant Classification Sherloc (09022015). Collection method: clinical testing. Allele origin: germline.
Comment: This sequence change creates a premature translational stop signal (p.Gln1811Argfs*16) in the BRCA1 gene. RNA analysis indicates that this premature translational stop signal induces altered splicing and likely disrupts the C-terminus of the protein. This variant is not present in population databases (gnomAD no frequency). This variant has not been reported in the literature in individuals affected with BRCA1-related conditions. Studies have shown that this premature translational stop signal results in skipping of exon 22 and introduces a new termination codon (Invitae). However the mRNA is not expected to undergo nonsense-mediated decay. This variant disrupts the C-terminal end of the BRCA1 protein partially including the BRCT domain (residues 1646-1859), which is important for DNA repair activity (PMID: 11573086, 14576433, 15133503, 25652403). While functional studies have not been performed to directly test the effect on BRCA1 protein function, this suggests that disruption of the C-terminal portion of the protein is functionally important. A different truncation (p.Tyr1853*) that lies downstream of this variant has been determined to be pathogenic (PMID: 21922593, 10811118, 11739404, 12400015, 7894493, Invitae). This suggests that variants that disrupt this region of the protein are likely to be causative of disease. For these reasons, this variant has been classified as Pathogenic.

Ambry Genetics
Classification: Pathogenic for Hereditary cancer-predisposing syndrome. Last evaluated: 2020-12-02. Review status: criteria provided, single submitter. Criteria: Ambry Variant Classification Scheme 2023. Collection method: clinical testing. Allele origin: germline.
Comment: The c.5432_5439delAGCCAGAT pathogenic mutation, located in coding exon 21 of the BRCA1 gene, results from a deletion of 8 nucleotides at nucleotide positions 5432 to 5439, causing a translational frameshift with a predicted alternate stop codon (p.Q1811Rfs*16). This alteration occurs at the 3' terminus of the BRCA1 gene, is not expected to trigger nonsense-mediated mRNA decay, and only impacts the last 2% of the protein. However, premature stop codons are typically deleterious in nature and the impacted region is critical for protein function. Based on the supporting evidence, this alteration is interpreted as a disease-causing mutation.

Literature cited by the submitters: PubMed 11573086 (cited by Labcorp Genetics (formerly Invitae), Labcorp); PubMed 14576433 (cited by Labcorp Genetics (formerly Invitae), Labcorp); PubMed 15133503 (cited by Labcorp Genetics (formerly Invitae), Labcorp); PubMed 25652403 (cited by Labcorp Genetics (formerly Invitae), Labcorp); PubMed 21922593 (cited by Labcorp Genetics (formerly Invitae), Labcorp); PubMed 10811118 (cited by Labcorp Genetics (formerly Invitae), Labcorp); PubMed 11739404 (cited by Labcorp Genetics (formerly Invitae), Labcorp); PubMed 12400015 (cited by Labcorp Genetics (formerly Invitae), Labcorp); PubMed 7894493 (cited by Labcorp Genetics (formerly Invitae), Labcorp).

NM_007294.4(BRCA1):c.5432_5439del (p.Gln1811fs)

Gene: BRCA1 (BRCA1 DNA repair associated; minus strand). Cytogenetic location: 17q21.31.
Variant type: Deletion.
Coding change: c.5432_5439del on transcript NM_007294.4 (MANE Select); coding-DNA positions 5432 to 5439, 8 bases deleted (AGCCAGAT; older notation c.5432_5439delAGCCAGAT).
Protein change: p.Gln1811fs; shifts the reading frame from glutamine 1811.
Molecular consequence: frameshift variant. On other transcripts: non-coding transcript variant (1).
Genome position (GRCh38, 1-based): chr17:43,047,671-43,047,678, ATCTGGCT deleted on the plus strand (AGCCAGAT on the coding strand, the reverse complement: BRCA1 is on the minus strand). VCF-style (leftmost placement, unchanged base first): chr17-43047670-CATCTGGCT-C. GRCh37 (hg19) VCF-style: chr17-41199687-CATCTGGCT-C.
Other names: c.5355_5362delAGCCAGAT, p.Ala1786Profs (NM_001407859.1, NM_001407860.1, NM_001407858.1); c.5228_5235delAGCCAGAT, p.Gln1743Argfs (NM_001407863.1); c.5352_5359delAGCCAGAT, p.Ala1785Profs (NM_001407861.1); c.5231_5238delAGCCAGAT, p.Gln1744Argfs (NM_001407862.1); c.1979_1986delAGCCAGAT, p.Gln660Argfs (NM_001408462.1, NM_001408460.1, NM_001408461.1 and 7 more transcripts); c.5216_5223delAGCCAGAT, p.Gln1739Argfs (NM_001407917.1, NM_001407918.1, NM_001407915.1 and 1 more transcripts); c.5180_5187delAGCCAGAT, p.Gln1727Argfs (NM_001407919.1); c.5168_5175delAGCCAGAT, p.Gln1723Argfs (NM_001407920.1, NM_001407921.1, NM_001407922.1 and 4 more transcripts); and 86 more; short protein forms A683fs, Q1764fs, Q1811fs, Q1832fs, Q707fs.
Identifiers: ClinVar variation 1747503 (VCV001747503.7), dbSNP rs2546651447, ClinGen allele CA2580093938.